The following is an entry in ClinVar:

NM_000059.4(BRCA2):c.9300dup (p.Leu3101fs)

Gene: BRCA2 (BRCA2 DNA repair associated; plus strand). Cytogenetic location: 13q13.1.
Variant type: Duplication.
Coding change: c.9300dup on transcript NM_000059.4 (MANE Select); coding-DNA position 9300, one base duplicated (A; older notation c.9300dupA).
Protein change: p.Leu3101fs; shifts the reading frame from leucine 3101.
Molecular consequence: frameshift variant. On other transcripts: non-coding transcript variant (1).
Genome position (GRCh38, 1-based): chr13:32,394,732, A duplicated. VCF-style (leftmost placement, unchanged base first): chr13-32394731-T-TA. GRCh37 (hg19) VCF-style: chr13-32968868-T-TA.
Other names: c.9204dup, p.Leu3069fs (NM_001406719.1); c.9249dup, p.Leu3084fs (NM_001406720.1); c.4368dup, p.Leu1457fs (NM_001406721.1); c.2883dup, p.Leu962fs (NM_001406722.1); c.9300dup, p.Leu3101fs (NM_001432077.1); short protein forms L1457fs, L3069fs, L3084fs, L3101fs, L962fs.
Identifiers: ClinVar variation 4532842 (VCV004532842.2).

ClinVar aggregate classification (germline): Pathogenic/Likely pathogenic. Review status: criteria provided, multiple submitters, no conflicts (2 of 4 stars). 2 submissions from 2 submitters: Pathogenic (1); Likely pathogenic (1). Last evaluated 2025-10-10.

Conditions:
Hereditary breast ovarian cancer syndrome. Also called: Hereditary breast and ovarian cancer; Hereditary breast and ovarian cancer syndrome; Hereditary breast and/or ovarian cancer syndrome; Hereditary breast and ovarian cancer syndrome (HBOC); Breast and ovarian cancer; BRCA1- and BRCA2-Associated Hereditary Breast and Ovarian Cancer. Identifiers: Orphanet 145, MedGen C0677776, MeSH D061325, MONDO:0003582. Disease mechanism: loss of function.

Submissions (2):

Quest Diagnostics Nichols Institute San Juan Capistrano
Classification: Likely pathogenic. Last evaluated: 2025-10-10. Review status: criteria provided, single submitter. Criteria: Quest Diagnostics criteria. Collection method: clinical testing. Allele origin: unknown.
Comment: The BRCA2 c.9300dup (p.Leu3101Thrfs*10) variant alters the translational reading frame of the BRCA2 mRNA and is predicted to cause the premature termination of BRCA2 protein synthesis. To the best of our knowledge, this variant has not been reported in the published literature. This variant has not been reported in large, multi-ethnic general populations (Genome Aggregation Database). Based on the available information, this variant is classified as likely pathogenic .

Labcorp Genetics (formerly Invitae), Labcorp
Classification: Pathogenic for Hereditary breast ovarian cancer syndrome. Last evaluated: 2025-08-20. Review status: criteria provided, single submitter. Criteria: Invitae Variant Classification Sherloc (09022015). Collection method: clinical testing. Allele origin: germline.
Comment: This sequence change creates a premature translational stop signal (p.Leu3101Thrfs*10) in the BRCA2 gene. It is expected to result in an absent or disrupted protein product. Loss-of-function variants in BRCA2 are known to be pathogenic (PMID: 20104584). This variant is not present in population databases (gnomAD no frequency). This variant has not been reported in the literature in individuals affected with BRCA2-related conditions. For these reasons, this variant has been classified as Pathogenic.

Literature cited by the submitters: PubMed 20104584 (cited by Labcorp Genetics (formerly Invitae), Labcorp).